The following is an entry in ClinVar:

ClinVar aggregate classification (germline): Likely benign. Review status: criteria provided, multiple submitters, no conflicts (2 of 4 stars). 3 submissions from 3 submitters: Likely benign (3). Last evaluated 2024-12-06.

Conditions:
Cardiomyopathy (CMYO). Also called: Cardiomyopathies. Identifiers: Orphanet 167848, MedGen C0878544, MONDO:0004994, HP:0001638. Inheritance: Various modes of inheritance.
Hypertrophic cardiomyopathy. Also called: HYPERTROPHIC MYOCARDIOPATHY. Identifiers: Orphanet 217569, MedGen C0007194, MeSH D002312, MONDO:0005045, HP:0001639.

gnomAD v4.1: 5 of 1,614,178 alleles (0.00031%); highest among the groups gnomAD compares: Admixed American, 0.0067%; no homozygotes.

Submissions (3):

Women's Health and Genetics/Laboratory Corporation of America, LabCorp
Classification: Likely benign. Last evaluated: 2024-12-06. Review status: criteria provided, single submitter. Criteria: LabCorp Variant Classification Summary - May 2015. Collection method: clinical testing. Allele origin: germline.

Labcorp Genetics (formerly Invitae), Labcorp
Classification: Likely benign for Hypertrophic cardiomyopathy. Last evaluated: 2024-07-03. Review status: criteria provided, single submitter. Criteria: Invitae Variant Classification Sherloc (09022015). Collection method: clinical testing. Allele origin: germline.

All of Us Research Program, National Institutes of Health
Classification: Likely benign for Cardiomyopathy. Last evaluated: 2024-04-16. Review status: criteria provided, single submitter. Criteria: ACMG Guidelines, 2015. Collection method: clinical testing. Allele origin: germline. Inheritance: Autosomal dominant inheritance. Observed: 2 variant alleles, 2 heterozygotes.
Comment: This study involves interpretation of variants in research participants for the purpose of population health screening. Participant phenotype was not available at the time of variant classification. Additional details can be found in publication PMID: 35346344, PMCID: PMC8962531

NM_000257.4(MYH7):c.1632C>G (p.Thr544=)

Gene: MYH7 (myosin heavy chain 7; minus strand). Cytogenetic location: 14q11.2.
Variant type: single nucleotide variant.
Coding change: c.1632C>G on transcript NM_000257.4 (MANE Select); coding-DNA position 1632, C replaced by G.
Protein change: p.Thr544=; no amino-acid change (threonine 544 retained).
Molecular consequence: synonymous variant.
Genome position (GRCh38, 1-based): chr14:23,427,841, G>C on the plus strand (C>G on the coding strand, the complement: MYH7 is on the minus strand). VCF-style: chr14-23427841-G-C. GRCh37 (hg19) VCF-style: chr14-23897050-G-C.
Identifiers: ClinVar variation 1111867 (VCV001111867.11), dbSNP rs587781089, ClinGen allele CA029024.